The following is an entry in ClinVar:

ClinVar aggregate classification (germline): Uncertain significance (1 of 4 stars; one submission).

Submission:

Women's Health and Genetics/Laboratory Corporation of America, LabCorp
Classification: Uncertain significance. Last evaluated: 2025-11-06. Review status: criteria provided, single submitter. Criteria: LabCorp Variant Classification Summary - May 2015. Collection method: clinical testing. Allele origin: germline.
Comment: Variant summary: NFIA c.1315_1316insGGCCAC (p.Pro438_Pro439insArgPro) results in an in-frame insertion that is predicted to insert two amino acids into the encoded protein. The variant was absent in 247738 control chromosomes (gnomAD). The available data on variant occurrences in the general population are insufficient to allow any conclusion about variant significance. To our knowledge, no occurrence of c.1315_1316insGGCCAC in individuals affected with NFIA-related conditions and no experimental evidence demonstrating its impact on protein function have been reported. No submitters have cited clinical-significance assessments for this variant to ClinVar. Based on the evidence outlined above, the variant was classified as uncertain significance.

NM_001134673.4(NFIA):c.1315_1316insGGCCAC (p.Pro438_Pro439insArgPro)

Gene: NFIA (nuclear factor I A; plus strand). Cytogenetic location: 1p31.3.
Variant type: Insertion.
Coding change: c.1315_1316insGGCCAC on transcript NM_001134673.4 (MANE Select); coding-DNA positions 1315 to 1316, GGCCAC inserted.
Protein change: p.Pro438_Pro439insArgPro.
Genome position: GRCh38 VCF-style: chr1-61406617-T-TGCCACG. GRCh37 (hg19) VCF-style: chr1-61872289-T-TGCCACG.
Other names: c.1291_1292insGGCCAC, p.Pro430_Pro431insArgPro (NM_001145511.2); c.1450_1451insGGCCAC, p.Pro483_Pro484insArgPro (NM_001145512.2); c.1315_1316insGGCCAC, p.Pro438_Pro439insArgPro (NM_005595.5).
Identifiers: ClinVar variation 4537025 (VCV004537025.1).